The following is an entry in ClinVar:

ClinVar aggregate classification (germline): Uncertain significance (1 of 4 stars; one submission).

Conditions:
Very long chain acyl-CoA dehydrogenase deficiency (ACADVLD). Also called: VLCAD Deficiency; Very Long-Chain Acyl-Coenzyme A Dehydrogenase Deficiency. Identifiers: Orphanet 26793, MedGen C3887523, MONDO:0008723, OMIM 201475.

gnomAD v4.1: 1 of 1,614,074 alleles (0.000062%); highest among the groups gnomAD compares: Non-Finnish European, 0.000085%; no homozygotes.

Submission:

3billion
Classification: Uncertain significance for Very long chain acyl-CoA dehydrogenase deficiency. Last evaluated: 2025-07-27. Review status: criteria provided, single submitter. Criteria: ACMG Guidelines, 2015. Collection method: clinical testing. Allele origin: germline. Affected: yes.
Comment: The variant is observed at an extremely low frequency in the gnomAD v4.1.0 dataset (total allele frequency: <0.001%). Predicted Consequence/Location: Missense variant In silico tool predictions suggest damaging effect of the variant on gene or gene product [REVEL: 0.96 (>=0.6, sensitivity 0.68 and specificity 0.92); 3Cnet: 0.99 (> 0.75, sensitivity 0.96 and precision 0.92)]. Different missense changes at the same codon (p.Lys382Asn, p.Lys382Gln) have been reported as pathogenic/likely pathogenic with strong evidence (ClinVar ID: VCV000001628, VCV000389672 /PMID: 27209629, 8554073). Therefore, this variant is classified as VUS according to the recommendation of ACMG/AMP guideline.

Literature cited by the submitters: PubMed 27209629.

NM_000018.4(ACADVL):c.1144A>G (p.Lys382Glu)

Gene: ACADVL (acyl-CoA dehydrogenase very long chain; plus strand). Cytogenetic location: 17p13.1.
Variant type: single nucleotide variant.
Coding change: c.1144A>G on transcript NM_000018.4 (MANE Select); coding-DNA position 1144, A replaced by G.
Protein change: p.Lys382Glu; replaces lysine 382 with glutamic acid.
Molecular consequence: missense variant.
Genome position (GRCh38, 1-based): chr17:7,223,199, A>G. VCF-style: chr17-7223199-A-G. GRCh37 (hg19) VCF-style: chr17-7126518-A-G.
Other names: c.1078A>G, p.Lys360Glu (NM_001033859.3); c.1213A>G, p.Lys405Glu (NM_001270447.2); c.916A>G, p.Lys306Glu (NM_001270448.2); short protein forms K306E, K360E, K382E, K405E.
Identifiers: ClinVar variation 4855696 (VCV004855696.1).
Genomic context (GRCh38, chr17:7,223,199, plus strand): 5'-CATGCCACTAATCGTACCCAGTTTGGGGAGAAAATTCACAACTTTGGGCTGATCCAGGAG[A>G]AGCTGGCACGGATGGTTATGCTGCAGTATGTAACTGAGGTGAGGGCCTCCCAAGCCCCTC-3'
Protein context (NP_000009.1, residues 372-392): KIHNFGLIQE[Lys382Glu]LARMVMLQYV